The following is an entry in ClinVar:

ClinVar aggregate classification (germline): Benign (1 of 4 stars; one submission).

Conditions:
Juvenile polyposis syndrome (JPS). Identifiers: Orphanet 2929, MedGen C0345893, MONDO:0017380, OMIM 174900.

Submission:

Myriad Genetics, Inc.
Classification: Benign for Juvenile polyposis syndrome. Last evaluated: 2024-08-01. Review status: criteria provided, single submitter. Criteria: Myriad Autosomal Dominant, Autosomal Recessive and X-Linked Classification Criteria (2023). Collection method: clinical testing. Allele origin: unknown.
Comment: This variant is considered benign. This variant is a silent/synonymous amino acid change and it is not expected to impact splicing.

NM_004329.3(BMPR1A):c.504C>T (p.Ile168=)

Gene: BMPR1A (bone morphogenetic protein receptor type 1A; plus strand). Cytogenetic location: 10q23.2.
Variant type: single nucleotide variant.
Coding change: c.504C>T on transcript NM_004329.3 (MANE Select); coding-DNA position 504, C replaced by T.
Protein change: p.Ile168=; no amino-acid change (isoleucine 168 retained).
Molecular consequence: synonymous variant. On other transcripts: non-coding transcript variant (3), intron variant (1).
Genome position (GRCh38, 1-based): chr10:86,900,100, C>T. VCF-style: chr10-86900100-C-T. GRCh37 (hg19) VCF-style: chr10-88659857-C-T.
Other names: c.504C>T, p.Ile168= (NM_001406559.1, NM_001406569.1, NM_001406570.1 and 22 more transcripts); c.420C>T, p.Ile140= (NM_001406584.1, NM_001406585.1, NM_001406586.1 and 2 more transcripts); c.333+7871C>T (NM_001406589.1).
Identifiers: ClinVar variation 3378458 (VCV003378458.1).